The following is an entry in ClinVar:

NM_001197104.2(KMT2A):c.9560T>G (p.Leu3187Arg)

Gene: KMT2A (lysine methyltransferase 2A; plus strand). Cytogenetic location: 11q23.3.
Variant type: single nucleotide variant.
Coding change: c.9560T>G on transcript NM_001197104.2 (MANE Select); coding-DNA position 9560, T replaced by G.
Protein change: p.Leu3187Arg; replaces leucine 3187 with arginine.
Molecular consequence: missense variant.
Genome position (GRCh38, 1-based): chr11:118,505,452, T>G. VCF-style: chr11-118505452-T-G. GRCh37 (hg19) VCF-style: chr11-118376167-T-G.
Other names: c.9650T>G, p.Leu3217Arg (NM_001412597.1); c.9551T>G, p.Leu3184Arg (NM_005933.4); short protein forms L3184R, L3187R, L3217R.
Identifiers: ClinVar variation 3367241 (VCV003367241.2).

ClinVar aggregate classification (germline): Uncertain significance. Review status: criteria provided, multiple submitters, no conflicts (2 of 4 stars). 2 submissions from 2 submitters: Uncertain significance (2). Last evaluated 2025-12-01.

Submissions (2):

Labcorp Genetics (formerly Invitae), Labcorp
Classification: Uncertain significance. Last evaluated: 2025-12-01. Review status: criteria provided, single submitter. Criteria: Invitae Variant Classification Sherloc (09022015). Collection method: clinical testing. Allele origin: germline.
Comment: This sequence change replaces leucine, which is neutral and non-polar, with arginine, which is basic and polar, at codon 3187 of the KMT2A protein (p.Leu3187Arg). This variant is not present in population databases (gnomAD no frequency). This variant has not been reported in the literature in individuals affected with KMT2A-related conditions. ClinVar contains an entry for this variant (Variation ID: 3367241). Invitae Evidence Modeling of protein sequence and biophysical properties (such as structural, functional, and spatial information, amino acid conservation, physicochemical variation, residue mobility, and thermodynamic stability) has been performed for this missense variant. However, the output from this modeling did not meet the statistical confidence thresholds required to predict the impact of this variant on KMT2A protein function. In summary, the available evidence is currently insufficient to determine the role of this variant in disease. Therefore, it has been classified as a Variant of Uncertain Significance.

GeneDx
Classification: Uncertain significance. Last evaluated: 2023-12-28. Review status: criteria provided, single submitter. Criteria: GeneDx Variant Classification Process June 2021. Collection method: clinical testing. Allele origin: germline. Affected: yes.
Comment: Not observed at significant frequency in large population cohorts (gnomAD); In silico analysis supports that this missense variant does not alter protein structure/function; Has not been previously published as pathogenic or benign to our knowledge